The following is an entry in ClinVar:

ClinVar aggregate classification (germline): Conflicting classifications of pathogenicity. Review status: criteria provided, conflicting classifications (1 of 4 stars). 8 submissions from 8 submitters: Uncertain significance (5); Likely benign (1). 2 of the submissions do not count toward it. Last evaluated 2026-01-28.

Conditions:
Hereditary cancer-predisposing syndrome. Also called: Neoplastic Syndromes, Hereditary; Tumor predisposition; Hereditary Cancer Syndrome; Hereditary neoplastic syndrome. Identifiers: Orphanet 140162, MedGen C0027672, MeSH D009386, MONDO:0015356.
Hereditary breast ovarian cancer syndrome. Also called: Hereditary breast and ovarian cancer; Hereditary breast and/or ovarian cancer syndrome; BRCA1- and BRCA2-Associated Hereditary Breast and Ovarian Cancer; Hereditary breast and ovarian cancer syndrome (HBOC); Hereditary breast and ovarian cancer syndrome; Breast and ovarian cancer. Identifiers: Orphanet 145, MedGen C0677776, MeSH D061325, MONDO:0003582. Disease mechanism: loss of function.

Allele frequency attached by ClinVar (database versions not stated): gnomAD exomes below 0.00001; ExAC 0.00001; TOPMed 0.00002.
gnomAD v4.1: 2 of 1,613,926 alleles (0.00012%); highest among the groups gnomAD compares: East Asian, 0.0022%; no homozygotes.

Submissions (8):

Labcorp Genetics (formerly Invitae), Labcorp
Classification: Uncertain significance for Hereditary breast ovarian cancer syndrome. Last evaluated: 2026-01-28. Review status: criteria provided, single submitter. Criteria: Invitae Variant Classification Sherloc (09022015). Collection method: clinical testing. Allele origin: germline.
Comment: This sequence change replaces serine, which is neutral and polar, with asparagine, which is neutral and polar, at codon 1024 of the BRCA1 protein (p.Ser1024Asn). This variant is present in population databases (rs757579891, gnomAD 0.007%). This missense change has been observed in individual(s) with clinical features of BRCA1-related conditions (PMID: 21520333). ClinVar contains an entry for this variant (Variation ID: 187719). Invitae Evidence Modeling of protein sequence and biophysical properties (such as structural, functional, and spatial information, amino acid conservation, physicochemical variation, residue mobility, and thermodynamic stability) indicates that this missense variant is not expected to disrupt BRCA1 protein function with a negative predictive value of 80%. In summary, the available evidence is currently insufficient to determine the role of this variant in disease. Therefore, it has been classified as a Variant of Uncertain Significance.

Quest Diagnostics Nichols Institute San Juan Capistrano
Classification: Uncertain significance. Last evaluated: 2025-10-21. Review status: criteria provided, single submitter. Criteria: Quest Diagnostics criteria. Collection method: clinical testing. Allele origin: unknown.
Comment: The BRCA1 c.3071G>A (p.Ser1024Asn) variant has been reported in the published literature be located in a region of the BRCA1 gene that is tolerant to missense sequence changes (PMID: 31911673 (2020)). A functional study has reported that this variant does not result in a deleterious effect on BRCA1 protein function (PMID: 32546644 (2020)), however additional studies are needed to validate this finding. The frequency of this variant in the general population (Genome Aggregation Database) is uninformative in the assessment of its pathogenicity. Analysis of this variant using bioinformatics tools for the prediction of the effect of amino acid changes on protein structure and function yielded predictions that this variant is benign. Based on the available information, we are unable to determine the clinical significance of this variant.

Ambry Genetics
Classification: Uncertain significance for Hereditary cancer-predisposing syndrome. Last evaluated: 2023-08-29. Review status: criteria provided, single submitter. Criteria: Ambry Variant Classification Scheme 2023. Collection method: clinical testing. Allele origin: germline.
Comment: The p.S1024N variant (also known as c.3071G>A), located in coding exon 9 of the BRCA1 gene, results from a G to A substitution at nucleotide position 3071. The serine at codon 1024 is replaced by asparagine, an amino acid with highly similar properties. This amino acid position is not well conserved in available vertebrate species. In addition, this alteration is predicted to be tolerated by in silico analysis. Since supporting evidence is limited at this time, the clinical significance of this alteration remains unclear.

University of Washington Department of Laboratory Medicine, University of Washington
Classification: Likely benign for Hereditary cancer-predisposing syndrome. Last evaluated: 2023-03-23. Review status: criteria provided, single submitter. Criteria: Dines et al. (Genet Med. 2020). Collection method: curation. Allele origin: germline.
Comment: Missense variant in a coldspot region where missense variants are very unlikely to be pathogenic (PMID:31911673).

BRCA1 coldspot (exon 11 using historical exon numbering). Reclassification based on statistical prior probability

Women's Health and Genetics/Laboratory Corporation of America, LabCorp
Classification: Uncertain significance. Last evaluated: 2020-07-30. Review status: criteria provided, single submitter. Criteria: LabCorp Variant Classification Summary - May 2015. Collection method: clinical testing. Allele origin: germline.
Comment: Variant summary: BRCA1 c.3071G>A (p.Ser1024Asn) results in a conservative amino acid change in the encoded protein sequence. Five of five in-silico tools predict a benign effect of the variant on protein function. The variant allele was found at a frequency of 4e-06 in 251078 control chromosomes (gnomAD). The available data on variant occurrences in the general population are insufficient to allow any conclusion about variant significance. To our knowledge, no occurrence of c.3071G>A in individuals affected with Hereditary Breast And Ovarian Cancer Syndrome and no experimental evidence demonstrating its impact on protein function have been reported. Three ClinVar submitters (evaluation after 2014) cite the variant as uncertain significance. Based on the evidence outlined above, the variant was classified as uncertain significance.

Color Diagnostics, LLC DBA Color Health
Classification: Uncertain significance for Hereditary cancer-predisposing syndrome. Last evaluated: 2019-11-01. Review status: criteria provided, single submitter. Criteria: ACMG Guidelines, 2015. Collection method: clinical testing. Allele origin: germline.
Comment: This missense variant replaces serine with asparagine at codon 1024 of the BRCA1 protein. Computational prediction tool suggests that this variant may not impact protein structure and function (internally defined REVEL score threshold ≤0.5, PMID: 27666373). Splice site prediction tools suggest that this variant may not impact RNA splicing. To our knowledge, functional studies have not been performed for this variant. This variant has not been reported in individuals affected with hereditary cancer in the literature. This variant has been identified in 1/251078 chromosomes in the general population by the Genome Aggregation Database (gnomAD). The available evidence is insufficient to determine the role of this variant in disease conclusively. Therefore, this variant is classified as a Variant of Uncertain Significance.

Clinical Genetics DNA and cytogenetics Diagnostics Lab, Erasmus MC, Erasmus Medical Center
Classification: Likely benign. Review status: no assertion criteria provided. Collection method: clinical testing. Allele origin: germline. Affected: yes. Study: VKGL Data-share Consensus. Not counted in ClinVar's aggregate classification.

Joint Genome Diagnostic Labs from Nijmegen and Maastricht, Radboudumc and MUMC+
Classification: Likely benign. Review status: no assertion criteria provided. Collection method: clinical testing. Allele origin: germline. Affected: yes. Study: VKGL Data-share Consensus. Not counted in ClinVar's aggregate classification.

Literature cited by the submitters: PubMed 21520333 (cited by Labcorp Genetics (formerly Invitae), Labcorp); PubMed 31911673 (cited by Quest Diagnostics Nichols Institute San Juan Capistrano); PubMed 32546644 (cited by Quest Diagnostics Nichols Institute San Juan Capistrano).

NM_007294.4(BRCA1):c.3071G>A (p.Ser1024Asn)

Gene: BRCA1 (BRCA1 DNA repair associated; minus strand). Cytogenetic location: 17q21.31.
Variant type: single nucleotide variant.
Coding change: c.3071G>A on transcript NM_007294.4 (MANE Select); coding-DNA position 3071, G replaced by A.
Protein change: p.Ser1024Asn; replaces serine 1024 with asparagine.
Molecular consequence: missense variant. On other transcripts: intron variant (137).
Genome position (GRCh38, 1-based): chr17:43,092,460, C>T on the plus strand (G>A on the coding strand, the complement: BRCA1 is on the minus strand). VCF-style: chr17-43092460-C-T. GRCh37 (hg19) VCF-style: chr17-41244477-C-T.
Other names: c.2927G>A, p.Ser976Asn (NM_001407748.1, NM_001407749.1, NM_001407838.1 and 20 more transcripts); c.2930G>A, p.Ser977Asn (NM_001407750.1, NM_001407751.1, NM_001407752.1 and 29 more transcripts); c.2858G>A, p.Ser953Asn (NM_001407853.1, NM_001407894.1, NM_001407895.1 and 9 more transcripts); c.3071G>A, p.Ser1024Asn (NM_001407854.1, NM_001407858.1, NM_001407859.1 and 30 more transcripts); c.3068G>A, p.Ser1023Asn (NM_001407860.1, NM_001407861.1, NM_001407587.1 and 22 more transcripts); c.2870G>A, p.Ser957Asn (NM_001407862.1); c.2948G>A, p.Ser983Asn (NM_001407863.1, NM_001407919.1, NM_001407937.1 and 19 more transcripts); c.2867G>A, p.Ser956Asn (NM_001407874.1, NM_001407875.1); and 41 more; short protein forms S1024N, S977N, S1023N, S935N, S957N, S896N, S912N, S954N.
Identifiers: ClinVar variation 187719 (VCV000187719.28), dbSNP rs757579891, ClinGen allele CA002014.
Genomic context (GRCh38, chr17:43,092,460, plus strand): 5'-ATATTGCTTGAGCTGGCTTCTTTAAAAACATTTTCTCTAATGTTATTACGGCTAATTGTG[C>T]TCACTGTACTTGGAATGTTCTCATTTCCCATTTCTCTTTCAGGTGACATTGAATGTTCCT-3'
Protein context (NP_009225.1, residues 1014-1034): MGNENIPSTV[Ser1024Asn]TISRNNIREN